The following is an entry in ClinVar:

ClinVar aggregate classification (germline): Pathogenic (1 of 4 stars; one submission).

Conditions:
Duchenne muscular dystrophy (DMD). Also called: Duchenne Muscular Dystrophy (DMD); MUSCULAR DYSTROPHY, PSEUDOHYPERTROPHIC PROGRESSIVE, DUCHENNE TYPE. Identifiers: Orphanet 98896, MedGen C0013264, MONDO:0010679, OMIM 310200.

Submission:

Labcorp Genetics (formerly Invitae), Labcorp
Classification: Pathogenic for Duchenne muscular dystrophy. Last evaluated: 2022-04-10. Review status: criteria provided, single submitter. Criteria: Invitae Variant Classification Sherloc (09022015). Collection method: clinical testing. Allele origin: germline.
Comment: This variant is a gross deletion of the genomic region encompassing exon(s) 10-49 of the DMD gene. This variant would be expected to be in-frame, preserving the integrity of the reading frame. This variant has not been reported in the literature in individuals affected with DMD-related conditions. This variant disrupts a region of the DMD protein in which other variant(s) (Deletion (Exons 19-44)) have been determined to be pathogenic (PMID: 9628192, 12324874). This suggests that this is a clinically significant region of the protein, and that variants that disrupt it are likely to be disease-causing. For these reasons, this variant has been classified as Pathogenic.

Literature cited by the submitters: PubMed 9628192; PubMed 12324874.

NC_000023.10:g.(?_31854815)_(32669194_?)del

Gene: DMD (dystrophin; minus strand). Cytogenetic location: Xp21.1.
Variant type: Deletion.
Identifiers: ClinVar variation 2424885 (VCV002424885.5).